The following is an entry in ClinVar:

ClinVar aggregate classification (germline): Likely benign (0 of 4 stars; one submission).

Conditions:
HNRNPUL2-related disorder. Also called: HNRNPUL2-related condition.

Allele frequency attached by ClinVar (database versions not stated): gnomAD 0.00014; ExAC 0.00015; ESP Exome Variant Server 0.00017; gnomAD exomes 0.00020; TOPMed 0.00020.
gnomAD v4.1: 321 of 1,600,924 alleles (0.02%); highest among the groups gnomAD compares: Non-Finnish European, 0.024%; no homozygotes.

Submission:

PreventionGenetics, part of Exact Sciences
Classification: Likely benign for HNRNPUL2-related condition. Last evaluated: 2023-05-17. Review status: no assertion criteria provided. Collection method: clinical testing. Allele origin: germline.
Comment: This variant is classified as likely benign based on ACMG/AMP sequence variant interpretation guidelines (Richards et al. 2015 PMID: 25741868, with internal and published modifications).

NM_001079559.3(HNRNPUL2):c.408C>T (p.Ala136=)

Genes: HNRNPUL2 (heterogeneous nuclear ribonucleoprotein U like 2; minus strand), HNRNPUL2-BSCL2 (HNRNPUL2-BSCL2 readthrough (NMD candidate); minus strand). Cytogenetic location: 11q12.3.
Variant type: single nucleotide variant.
Coding change: c.408C>T on transcript NM_001079559.3 (MANE Select); coding-DNA position 408, C replaced by T.
Protein change: p.Ala136=; no amino-acid change (alanine 136 retained).
Molecular consequence: synonymous variant. On other transcripts: non-coding transcript variant (1).
Genome position (GRCh38, 1-based): chr11:62,726,749, G>A on the plus strand (C>T on the coding strand, the complement: HNRNPUL2 is on the minus strand). VCF-style: chr11-62726749-G-A. GRCh37 (hg19) VCF-style: chr11-62494221-G-A.
Identifiers: ClinVar variation 3054109 (VCV003054109.2), dbSNP rs375115329, ClinGen allele CA6054367.